The following is an entry in ClinVar:

ClinVar aggregate classification (germline): Uncertain significance (1 of 4 stars; one submission).

Submission:

Labcorp Genetics (formerly Invitae), Labcorp
Classification: Uncertain significance. Last evaluated: 2025-06-11. Review status: criteria provided, single submitter. Criteria: Invitae Variant Classification Sherloc (09022015). Collection method: clinical testing. Allele origin: germline.
Comment: This sequence change replaces alanine, which is neutral and non-polar, with serine, which is neutral and polar, at codon 357 of the ANXA11 protein (p.Ala357Ser). This variant is not present in population databases (gnomAD no frequency). This variant has not been reported in the literature in individuals affected with ANXA11-related conditions. An algorithm developed to predict the effect of missense changes on protein structure and function (PolyPhen-2) suggests that this variant is likely to be disruptive. In summary, the available evidence is currently insufficient to determine the role of this variant in disease. Therefore, it has been classified as a Variant of Uncertain Significance.

NM_145868.2(ANXA11):c.1069G>T (p.Ala357Ser)

Gene: ANXA11 (annexin A11; minus strand). Cytogenetic location: 10q22.3.
Variant type: single nucleotide variant.
Coding change: c.1069G>T on transcript NM_145868.2 (MANE Select); coding-DNA position 1069, G replaced by T.
Protein change: p.Ala357Ser; replaces alanine 357 with serine.
Molecular consequence: missense variant.
Genome position (GRCh38, 1-based): chr10:80,163,366, C>A on the plus strand (G>T on the coding strand, the complement: ANXA11 is on the minus strand). VCF-style: chr10-80163366-C-A. GRCh37 (hg19) VCF-style: chr10-81923122-C-A.
Other names: c.1069G>T, p.Ala357Ser (NM_001157.3, NM_001278407.2, NM_001278408.2 and 1 more transcripts); c.970G>T, p.Ala324Ser (NM_001278409.2); short protein forms A324S, A357S.
Identifiers: ClinVar variation 4711895 (VCV004711895.1).